The following is an entry in ClinVar:

ClinVar aggregate classification (germline): Conflicting classifications of pathogenicity. Review status: criteria provided, conflicting classifications (1 of 4 stars). 5 submissions from 5 submitters: Uncertain significance (1); Likely benign (4). Last evaluated 2026-01-13.

Conditions:
PIEZO1-related disorder. Also called: PIEZO1-related condition; PIEZO1-Related Disorders.
Dehydrated hereditary stomatocytosis with or without pseudohyperkalemia and/or perinatal edema (DHS1). Also called: Dehydrated hereditary stomatocytosis 1 with or without pseudohyperkalemia and/or perinatal edema; PSEUDOHYPERKALEMIA EDINBURGH; DEHYDRATED HEREDITARY STOMATOCYTOSIS AND PSEUDOHYPERKALEMIA; DEHYDRATED HEREDITARY STOMATOCYTOSIS WITH PSEUDOHYPERKALEMIA AND PERINATAL EDEMA; Pseudohyperkalemia, familial, 1, due to red cell leak. Identifiers: Orphanet 3202, MedGen C4551512, MONDO:0008689, OMIM 194380.
Lymphatic malformation 6 (LMPHM6). Also called: GENERALIZED LYMPHATIC DYSPLASIA OF FOTIOU; Lymphedema, hereditary, III; PIEZO1-related generalized lymphatic dysplasia with non-immune hydrops fetalis. Identifiers: Orphanet 568062, MedGen C4225184, MONDO:0014797, OMIM 616843.

Allele frequency attached by ClinVar (database versions not stated): gnomAD exomes 0.00015; TOPMed 0.00019; 1000 Genomes Project 0.00020; gnomAD 0.00025 and 0.00026; 1000 Genomes Project 30x 0.00031; ESP Exome Variant Server 0.00044; ExAC 0.00055.
gnomAD v4.1: 264 of 1,549,982 alleles (0.017%); highest among the groups gnomAD compares: Non-Finnish European, 0.021%; 2 homozygotes.

Submissions (5):

Labcorp Genetics (formerly Invitae), Labcorp
Classification: Likely benign. Last evaluated: 2026-01-13. Review status: criteria provided, single submitter. Criteria: Invitae Variant Classification Sherloc (09022015). Collection method: clinical testing. Allele origin: germline.

Blueprint Genetics
Classification: Likely benign. Last evaluated: 2024-10-15. Review status: criteria provided, single submitter. Criteria: ACMG Guidelines, 2015. Collection method: clinical testing. Allele origin: germline.

PreventionGenetics, part of Exact Sciences
Classification: Likely benign for PIEZO1-related condition. Last evaluated: 2024-10-10. Review status: criteria provided, single submitter. Criteria: ACMG Guidelines, 2015. Collection method: clinical testing. Allele origin: germline.
Comment: This variant is classified as likely benign based on ACMG/AMP sequence variant interpretation guidelines (Richards et al. 2015 PMID: 25741868, with internal and published modifications).

Revvity Omics, Revvity
Classification: Likely benign. Last evaluated: 2023-10-11. Review status: criteria provided, single submitter. Criteria: ACMG Guidelines, 2015. Collection method: clinical testing. Allele origin: germline.

Department of Pathology and Laboratory Medicine, Sinai Health System
Classification: Uncertain significance for Dehydrated hereditary stomatocytosis with or without pseudohyperkalemia and/or perinatal edema; Lymphatic malformation 6. Last evaluated: 2021-12-15. Review status: criteria provided, single submitter. Criteria: ACMG Guidelines, 2015. Collection method: research. Allele origin: germline.

NM_001142864.4(PIEZO1):c.1357A>C (p.Ile453Leu)

Genes: HSALR1 (HSP90AB1 associated lncRNA 1; plus strand), PIEZO1 (piezo type mechanosensitive ion channel component 1 (Er blood group); minus strand). Cytogenetic location: 16q24.3.
Variant type: single nucleotide variant.
Coding change: c.1357A>C on transcript NM_001142864.4 (MANE Select); coding-DNA position 1357, A replaced by C.
Protein change: p.Ile453Leu; replaces isoleucine 453 with leucine.
Molecular consequence: missense variant.
Genome position (GRCh38, 1-based): chr16:88,736,348, T>G on the plus strand (A>C on the coding strand, the complement: PIEZO1 is on the minus strand). VCF-style: chr16-88736348-T-G. GRCh37 (hg19) VCF-style: chr16-88802756-T-G.
Other names: c.1357A>C (NM_001142864.3); short protein forms I453L.
Identifiers: ClinVar variation 1112479 (VCV001112479.14), dbSNP rs370683016, ClinGen allele CA8233016.